The following is an entry in ClinVar:

NM_003151.4(STAT4):c.1426G>T (p.Asp476Tyr)

Gene: STAT4 (signal transducer and activator of transcription 4; minus strand). Cytogenetic location: 2q32.2.
Variant type: single nucleotide variant.
Coding change: c.1426G>T on transcript NM_003151.4 (MANE Select); coding-DNA position 1426, G replaced by T.
Protein change: p.Asp476Tyr; replaces aspartic acid 476 with tyrosine.
Molecular consequence: missense variant.
Genome position (GRCh38, 1-based): chr2:191,039,207, C>A on the plus strand (G>T on the coding strand, the complement: STAT4 is on the minus strand). VCF-style: chr2-191039207-C-A. GRCh37 (hg19) VCF-style: chr2-191903933-C-A.
Other names: c.1426G>T (NM_003151.3); c.1426G>T, p.Asp476Tyr (NM_001243835.2); short protein forms D476Y.
Identifiers: ClinVar variation 1981543 (VCV001981543.5), dbSNP rs759785386, ClinGen allele CA62677806.
Genomic context (GRCh38, chr2:191,039,207, plus strand): 5'-AATAAAACAAATCGAATAGCATTAAAGAAGTTGAGGTAGAAATAGAGTCTACCTGGGAAT[C>A]GTTGGTTGACACGTTGTACCAAATGATGGATGCCCAAGCATTAGGTAACTGACTGACATT-3'
Protein context (NP_003142.1, residues 466-486): SIIWYNVSTN[Asp476Tyr]SQNLVFFNNP

ClinVar aggregate classification (germline): Uncertain significance. Review status: criteria provided, multiple submitters, no conflicts (2 of 4 stars). 2 submissions from 2 submitters: Uncertain significance (2). Last evaluated 2024-12-19.

Conditions:
STAT4-related disorder. Also called: STAT4-related condition.

Allele frequency attached by ClinVar (database versions not stated): TOPMed 0.00002.
gnomAD v4.1: 7 of 1,613,950 alleles (0.00043%); highest among the groups gnomAD compares: African/African-American, 0.0053%; no homozygotes.

Submissions (2):

PreventionGenetics, part of Exact Sciences
Classification: Uncertain significance for STAT4-related condition. Last evaluated: 2024-12-19. Review status: criteria provided, single submitter. Criteria: ACMG Guidelines, 2015. Collection method: clinical testing. Allele origin: germline.
Comment: The STAT4 c.1426G>T variant is predicted to result in the amino acid substitution p.Asp476Tyr. To our knowledge, this variant has not been reported in the literature. This variant is reported in 0.0080% of alleles in individuals of African descent in gnomAD. At this time, the clinical significance of this variant is uncertain due to the absence of conclusive functional and genetic evidence.

Labcorp Genetics (formerly Invitae), Labcorp
Classification: Uncertain significance. Last evaluated: 2024-10-16. Review status: criteria provided, single submitter. Criteria: Invitae Variant Classification Sherloc (09022015). Collection method: clinical testing. Allele origin: germline.
Comment: This sequence change replaces aspartic acid, which is acidic and polar, with tyrosine, which is neutral and polar, at codon 476 of the STAT4 protein (p.Asp476Tyr). The frequency data for this variant in the population databases is considered unreliable, as metrics indicate poor data quality at this position in the gnomAD database. This variant has not been reported in the literature in individuals affected with STAT4-related conditions. ClinVar contains an entry for this variant (Variation ID: 1981543). Invitae Evidence Modeling of protein sequence and biophysical properties (such as structural, functional, and spatial information, amino acid conservation, physicochemical variation, residue mobility, and thermodynamic stability) indicates that this missense variant is expected to disrupt STAT4 protein function with a positive predictive value of 80%. In summary, the available evidence is currently insufficient to determine the role of this variant in disease. Therefore, it has been classified as a Variant of Uncertain Significance.